The following is an entry in ClinVar:

NM_004329.3(BMPR1A):c.1345A>T (p.Ile449Phe)

Gene: BMPR1A (bone morphogenetic protein receptor type 1A; plus strand). Cytogenetic location: 10q23.2.
Variant type: single nucleotide variant.
Coding change: c.1345A>T on transcript NM_004329.3 (MANE Select); coding-DNA position 1345, A replaced by T.
Protein change: p.Ile449Phe; replaces isoleucine 449 with phenylalanine.
Molecular consequence: missense variant.
Genome position (GRCh38, 1-based): chr10:86,923,378, A>T. VCF-style: chr10-86923378-A-T. GRCh37 (hg19) VCF-style: chr10-88683135-A-T.
Other names: c.1420A>T, p.Ile474Phe (NM_001406559.1); c.1393A>T, p.Ile465Phe (NM_001406560.1); c.1345A>T, p.Ile449Phe (NM_001406561.1, NM_001406562.1, NM_001406563.1 and 19 more transcripts); c.1339A>T, p.Ile447Phe (NM_001406583.1); c.1261A>T, p.Ile421Phe (NM_001406584.1, NM_001406585.1, NM_001406586.1 and 2 more transcripts); c.1003A>T, p.Ile335Phe (NM_001406589.1); short protein forms I335F, I449F, I465F, I474F, I421F, I447F.
Identifiers: ClinVar variation 1770452 (VCV001770452.2), dbSNP rs2539647747, ClinGen allele CA377462609.

ClinVar aggregate classification (germline): Uncertain significance (1 of 4 stars; one submission).

Conditions:
Hereditary cancer-predisposing syndrome. Also called: Hereditary Cancer Syndrome; Hereditary neoplastic syndrome; Neoplastic Syndromes, Hereditary; Tumor predisposition. Identifiers: Orphanet 140162, MedGen C0027672, MeSH D009386, MONDO:0015356.

Submission:

Ambry Genetics
Classification: Uncertain significance for Hereditary cancer-predisposing syndrome. Last evaluated: 2020-08-17. Review status: criteria provided, single submitter. Criteria: Ambry Variant Classification Scheme 2023. Collection method: clinical testing. Allele origin: germline.
Comment: The p.I449F variant (also known as c.1345A>T), located in coding exon 10 of the BMPR1A gene, results from an A to T substitution at nucleotide position 1345. The isoleucine at codon 449 is replaced by phenylalanine, an amino acid with highly similar properties. This amino acid position is well conserved in available vertebrate species. In addition, the in silico prediction for this alteration is inconclusive. Since supporting evidence is limited at this time, the clinical significance of this alteration remains unclear.